The following is an entry in ClinVar:

ClinVar aggregate classification (germline): Uncertain significance (1 of 4 stars; one submission).

Submission:

Labcorp Genetics (formerly Invitae), Labcorp
Classification: Uncertain significance. Last evaluated: 2025-08-22. Review status: criteria provided, single submitter. Criteria: Invitae Variant Classification Sherloc (09022015). Collection method: clinical testing. Allele origin: germline.
Comment: This sequence change replaces threonine, which is neutral and polar, with isoleucine, which is neutral and non-polar, at codon 632 of the NPAT protein (p.Thr632Ile). This variant is not present in population databases (gnomAD no frequency). This variant has not been reported in the literature in individuals affected with NPAT-related conditions. An algorithm developed to predict the effect of missense changes on protein structure and function outputs the following: PolyPhen-2: "Benign". The isoleucine amino acid residue is found in multiple mammalian species, which suggests that this missense change does not adversely affect protein function. In summary, the available evidence is currently insufficient to determine the role of this variant in disease. Therefore, it has been classified as a Variant of Uncertain Significance.

NM_002519.3(NPAT):c.1895C>T (p.Thr632Ile)

Gene: NPAT (nuclear protein, coactivator of histone transcription; minus strand). Cytogenetic location: 11q22.3.
Variant type: single nucleotide variant.
Coding change: c.1895C>T on transcript NM_002519.3 (MANE Select); coding-DNA position 1895, C replaced by T.
Protein change: p.Thr632Ile; replaces threonine 632 with isoleucine.
Molecular consequence: missense variant.
Genome position (GRCh38, 1-based): chr11:108,173,089, G>A on the plus strand (C>T on the coding strand, the complement: NPAT is on the minus strand). VCF-style: chr11-108173089-G-A. GRCh37 (hg19) VCF-style: chr11-108043816-G-A.
Other names: c.1895C>T, p.Thr632Ile (NM_001321307.1); short protein forms T632I.
Identifiers: ClinVar variation 4725878 (VCV004725878.1).